The following is an entry in ClinVar:

ClinVar aggregate classification (germline): Benign. Review status: reviewed by expert panel (3 of 4 stars). 10 submissions from 7 submitters: Benign (1). 9 of the submissions do not count toward it. Last evaluated 2025-01-30.

Conditions:
Choroidal dystrophy, central areolar, 1. Identifiers: Orphanet 75377, MedGen C4551884, MONDO:0024539, OMIM 215500.
GUCY2D-related recessive retinopathy. Also called: Recessive GUCY2D retinopathy. Identifiers: MedGen CN305603, MONDO:0100453.
Night blindness, congenital stationary, type1i. Also called: NIGHT BLINDNESS, CONGENITAL STATIONARY, TYPE 1I. Identifiers: MedGen C5231408, MONDO:0032811, OMIM 618555.
Cone-rod dystrophy 6 (CORD6). Also called: RETINAL CONE DYSTROPHY 2; Cone dystrophy progressive. Identifiers: Orphanet 1872, MedGen C1866293, MONDO:0011143, OMIM 601777.
Leber congenital amaurosis 1 (LCA1). Also called: RETINAL BLINDNESS, CONGENITAL; Congenital absence of the rods and cones; Leber's congenital tapetoretinal degeneration; Leber's congenital tapetoretinal dysplasia; AMAUROSIS CONGENITA OF LEBER I. Identifiers: Orphanet 65, MedGen C2931258, MONDO:0008764, OMIM 204000.

Allele frequency attached by ClinVar (database versions not stated): gnomAD exomes 0.12659 and 0.12278; 1000 Genomes Project 0.17133; gnomAD 0.19323 and 0.20071; ExAC 0.13025; 1000 Genomes Project 30x 0.17598; TOPMed 0.19947; ESP Exome Variant Server 0.21667.
gnomAD v4.1: 214,636 of 1,613,268 alleles (13%); highest among the groups gnomAD compares: African/African-American, 40%; 17,920 homozygotes.

Submissions (10):

ClinGen Leber Congenital Amaurosis/early Onset Retinal Dystrophy Variant Curation Expert Panel, ClinGen
Classification: Benign for GUCY2D-related recessive retinopathy. Last evaluated: 2025-01-30. Review status: reviewed by expert panel. Criteria: ClinGen LCAeoRD ACMG Specifications GUCY2D V1.0.0. Collection method: curation. Allele origin: germline. Inheritance: Autosomal recessive inheritance.
Comment: The NM_000180.4(GUCY2D):c.2345T>A (p.Leu782His) variant is predicted to change the leucine at position p.782 to histidine. This variant is present in gnomAD v.4.1.0 at a GrpMax allele frequency of 0.3995, with 30227 alleles / 74954 total alleles in the African/African American population, which is higher than the ClinGen LCA / eoRD VCEP BA1 threshold of >0.016 (BA1). This variant has been found in the homozygous state in 17920 adult individuals in gnomAD (gnomAD version 4.1.0; BS2). The computational predictor REVEL gives a score of 0.119, which is below the ClinGen LCA / eoRD VCEP threshold of ≤0.183 and predicts a non-damaging effect on RetGC-1 protein function. In addition, the splicing impact predictor SpliceAI gives a delta score of 0.01, which is below the ClinGen LCA / eoRD VCEP recommended threshold of <0.1 and does not predict an impact on splicing (BP4_Moderate). In summary, this variant meets the criteria to be classified as Benign for GUCY2D-related recessive retinopathy based on the ACMG/AMP criteria applied, as specified by the ClinGen LCA/eoRD VCEP: BA1, BS2, BP4_Moderate. (VCEP specifications version 1.0.0; date of approval 01/22/2025).

Labcorp Genetics (formerly Invitae), Labcorp
Classification: Benign for Leber congenital amaurosis 1; Cone-rod dystrophy 6. Last evaluated: 2026-02-04. Review status: criteria provided, single submitter. Criteria: Invitae Variant Classification Sherloc (09022015). Collection method: clinical testing. Allele origin: germline. Not counted in ClinVar's aggregate classification.

Genome-Nilou Lab
Classification: Benign for Choroidal dystrophy, central areolar, 1. Last evaluated: 2021-08-10. Review status: criteria provided, single submitter. Criteria: ACMG Guidelines, 2015. Collection method: clinical testing. Allele origin: germline. Affected: no. Not counted in ClinVar's aggregate classification.

Genome-Nilou Lab
Classification: Benign for Cone-rod dystrophy 6. Last evaluated: 2021-08-10. Review status: criteria provided, single submitter. Criteria: ACMG Guidelines, 2015. Collection method: clinical testing. Allele origin: germline. Affected: no. Not counted in ClinVar's aggregate classification.

Genome-Nilou Lab
Classification: Benign for Leber congenital amaurosis 1. Last evaluated: 2021-08-10. Review status: criteria provided, single submitter. Criteria: ACMG Guidelines, 2015. Collection method: clinical testing. Allele origin: germline. Affected: no. Not counted in ClinVar's aggregate classification.

Genome-Nilou Lab
Classification: Benign for Night blindness, congenital stationary, type1i. Last evaluated: 2021-08-10. Review status: criteria provided, single submitter. Criteria: ACMG Guidelines, 2015. Collection method: clinical testing. Allele origin: germline. Affected: no. Not counted in ClinVar's aggregate classification.

Mendelics
Classification: Benign for Cone-rod dystrophy 6. Last evaluated: 2019-05-28. Review status: criteria provided, single submitter. Criteria: Mendelics Assertion Criteria 2017. Collection method: clinical testing. Allele origin: unknown. Not counted in ClinVar's aggregate classification.

GeneDx
Classification: Benign. Last evaluated: 2018-07-03. Review status: criteria provided, single submitter. Criteria: GeneDx Variant Classification Process June 2021. Collection method: clinical testing. Allele origin: germline. Affected: yes. Not counted in ClinVar's aggregate classification.
Comment: This variant is associated with the following publications: (PMID: 11035546, 17964524, 18161624, 29178642, 17344846, 20079931, 16741161)

Breakthrough Genomics
Classification: Benign. Review status: criteria provided, single submitter. Criteria: ACMG Guidelines, 2015. Collection method: not provided. Allele origin: germline. Inheritance: Autosomal recessive inheritance. Affected: yes. Not counted in ClinVar's aggregate classification.

PreventionGenetics, part of Exact Sciences
Classification: Benign. Review status: criteria provided, single submitter. Criteria: ACMG Guidelines, 2015. Collection method: clinical testing. Allele origin: germline. Not counted in ClinVar's aggregate classification.

NM_000180.4(GUCY2D):c.2345T>A (p.Leu782His)

Gene: GUCY2D (guanylate cyclase 2D, retinal; plus strand). Cytogenetic location: 17p13.1.
Variant type: single nucleotide variant.
Coding change: c.2345T>A on transcript NM_000180.4 (MANE Select); coding-DNA position 2345, T replaced by A.
Protein change: p.Leu782His; replaces leucine 782 with histidine.
Molecular consequence: missense variant.
Genome position (GRCh38, 1-based): chr17:8,013,961, T>A. VCF-style: chr17-8013961-T-A. GRCh37 (hg19) VCF-style: chr17-7917279-T-A.
Other names: NM_000180.4(GUCY2D):c.2345T>A; short protein forms L782H.
Identifiers: ClinVar variation 255475 (VCV000255475.15), dbSNP rs8069344, ClinGen allele CA8366093.